The following is an entry in ClinVar:

ClinVar aggregate classification (germline): Benign. Review status: criteria provided, single submitter (1 of 4 stars). 2 submissions from 1 submitter: Benign (2). Last evaluated 2018-01-13.

Conditions:
Hyperimmunoglobulin D with periodic fever (HIDS). Also called: HYPERIMMUNOGLOBULINEMIA D AND PERIODIC FEVER SYNDROME; Hyperimmunoglobulinemia D; Hyperimmunoglobulinemia D with periodic fever. Identifiers: Orphanet 343, MedGen C0398691, MONDO:0009849, OMIM 260920.
Mevalonic aciduria (MEVA). Identifiers: Orphanet 29, MedGen C1959626, MONDO:0012481, OMIM 610377.

Allele frequency attached by ClinVar (database versions not stated): gnomAD exomes 0.00097; 1000 Genomes Project 0.00719; gnomAD 0.00786 and 0.00852; 1000 Genomes Project 30x 0.00812; TOPMed 0.00867.
gnomAD v4.1: 1,313 of 283,868 alleles (0.46%); highest among the groups gnomAD compares: African/African-American, 2.7%; 21 homozygotes.

Submissions (2):

Illumina Laboratory Services, Illumina
Classification: Benign for Mevalonic aciduria. Last evaluated: 2018-01-13. Review status: criteria provided, single submitter. Criteria: ICSL Variant Classification Criteria 13 December 2019. Collection method: clinical testing. Allele origin: germline.
Comment: This variant was observed in the ICSL laboratory as part of a predisposition screen in an ostensibly healthy population. It had not been previously curated by ICSL or reported in the Human Gene Mutation Database (HGMD: prior to June 1st, 2018), and was therefore a candidate for classification through an automated scoring system. Utilizing variant allele frequency, disease prevalence and penetrance estimates, and inheritance mode, an automated score was calculated to assess if this variant is too frequent to cause the disease. Based on the score and internal cut-off values, a variant classified as benign is not then subjected to further curation. The score for this variant resulted in a classification of benign for this disease.

Illumina Laboratory Services, Illumina
Classification: Benign for Hyperimmunoglobulin D with periodic fever. Last evaluated: 2018-01-13. Review status: criteria provided, single submitter. Criteria: ICSL Variant Classification Criteria 13 December 2019. Collection method: clinical testing. Allele origin: germline.
Comment: the same text as in the submission from Illumina Laboratory Services, Illumina above.

NM_000431.4(MVK):c.*412C>T

Gene: MVK (mevalonate kinase; plus strand). Cytogenetic location: 12q24.11.
Variant type: single nucleotide variant.
Coding change: c.*412C>T on transcript NM_000431.4 (MANE Select); 412 bases downstream of the stop codon, C replaced by T.
Molecular consequence: 3 prime UTR variant.
Genome position (GRCh38, 1-based): chr12:109,596,989, C>T. VCF-style: chr12-109596989-C-T. GRCh37 (hg19) VCF-style: chr12-110034794-C-T.
Other names: c.*412C>T (LRG_156t1, NM_001114185.3, NM_001301182.2).
Identifiers: ClinVar variation 307106 (VCV000307106.5), dbSNP rs192656516, ClinGen allele CA10640135.